The following is an entry in ClinVar:

NM_001365276.2(TNXB):c.3127A>G (p.Ile1043Val)

Gene: TNXB (tenascin XB; minus strand). Cytogenetic location: 6p21.33.
Variant type: single nucleotide variant.
Coding change: c.3127A>G on transcript NM_001365276.2 (MANE Select); coding-DNA position 3127, A replaced by G.
Protein change: p.Ile1043Val; replaces isoleucine 1043 with valine.
Molecular consequence: missense variant.
Genome position (GRCh38, 1-based): chr6:32,085,771, T>C on the plus strand (A>G on the coding strand, the complement: TNXB is on the minus strand). VCF-style: chr6-32085771-T-C. GRCh37 (hg19) VCF-style: chr6-32053548-T-C.
Other names: c.3868A>G, p.Ile1290Val (NM_001428335.1); c.3127A>G, p.Ile1043Val (NM_019105.8); c.3127A>G (NM_019105.6); short protein forms I1043V, I1290V.
Identifiers: ClinVar variation 3911955 (VCV003911955.3).
Genomic context (GRCh38, chr6:32,085,771, plus strand): 5'-AATCTCAGGATATTGATCTGAGCAGAGTCCAAGATGTACCCATAATGCCTTGGTAGATGA[T>C]GGGGTCAGAGGGCTTGCCCCCAGGAGGGACCCCATGAAGTGACAGCTCATACGGGGTTCC-3'
Protein context (NP_001352205.1, residues 1033-1053): VPPGGKPSDP[Ile1043Val]IYQGIMDKDE

ClinVar aggregate classification (germline): Conflicting classifications of pathogenicity. Review status: criteria provided, conflicting classifications (1 of 4 stars). 2 submissions from 2 submitters: Uncertain significance (1); Likely benign (1). Last evaluated 2026-08-13.

Conditions:
Cardiovascular phenotype. Identifiers: MedGen CN230736.

gnomAD v4.1: 10 of 1,552,892 alleles (0.00064%); highest among the groups gnomAD compares: South Asian, 0.0086%; no homozygotes.

Submissions (2):

Ambry Genetics
Classification: Likely benign for Cardiovascular phenotype. Last evaluated: 2026-08-13. Review status: criteria provided, single submitter. Criteria: Ambry Variant Classification Scheme 2023. Collection method: clinical testing. Allele origin: germline.

Women's Health and Genetics/Laboratory Corporation of America, LabCorp
Classification: Uncertain significance. Last evaluated: 2025-07-02. Review status: criteria provided, single submitter. Criteria: LabCorp Variant Classification Summary - May 2015. Collection method: clinical testing. Allele origin: germline.
Comment: Variant summary: TNXB c.3127A>G (p.Ile1043Val) results in a conservative amino acid change in the encoded protein sequence. Algorithms developed to predict the effect of missense changes on protein structure and function all suggest that this variant is likely to be tolerated. The variant allele was found at a frequency of 1.4e-05 in 207194 control chromosomes. The available data on variant occurrences in the general population are insufficient to allow any conclusion about variant significance. To our knowledge, no occurrence of c.3127A>G in individuals affected with Ehlers-Danlos syndrome due to tenascin-X deficiency and no experimental evidence demonstrating its impact on protein function have been reported. No submitters have cited clinical-significance assessments for this variant to ClinVar. Based on the evidence outlined above, the variant was classified as uncertain significance.